The following is an entry in ClinVar:

NM_022552.5(DNMT3A):c.983T>A (p.Val328Asp)

Gene: DNMT3A (DNA methyltransferase 3 alpha; minus strand). Cytogenetic location: 2p23.3.
Variant type: single nucleotide variant.
Coding change: c.983T>A on transcript NM_022552.5 (MANE Select); coding-DNA position 983, T replaced by A.
Protein change: p.Val328Asp; replaces valine 328 with aspartic acid.
Molecular consequence: missense variant. On other transcripts: non-coding transcript variant (1).
Genome position (GRCh38, 1-based): chr2:25,247,622, A>T on the plus strand (T>A on the coding strand, the complement: DNMT3A is on the minus strand). VCF-style: chr2-25247622-A-T. GRCh37 (hg19) VCF-style: chr2-25470491-A-T.
Other names: c.527T>A, p.Val176Asp (NM_001320893.1); c.314T>A, p.Val105Asp (NM_001375819.1); c.416T>A, p.Val139Asp (NM_153759.3); c.983T>A, p.Val328Asp (NM_175629.2); short protein forms V105D, V176D, V139D, V328D.
Identifiers: ClinVar variation 4998851 (VCV004998851.1).

ClinVar aggregate classification (germline): Uncertain significance (1 of 4 stars; one submission).

Conditions:
DNMT3A-related disorder. Also called: DNMT3A-related condition; DNMT3A-related disorders.

gnomAD v4.1: 1 of 1,613,638 alleles (0.000062%); no homozygotes.

Submission:

PreventionGenetics, part of Exact Sciences
Classification: Uncertain significance for DNMT3A-related condition. Last evaluated: 2024-11-05. Review status: criteria provided, single submitter. Criteria: ACMG Guidelines, 2015. Collection method: clinical testing. Allele origin: germline.
Comment: The DNMT3A c.983T>A variant is predicted to result in the amino acid substitution p.Val328Asp. To our knowledge, this variant has not been reported in the literature or in a large population database (gnomAD), indicating this variant is rare. At this time, the clinical significance of this variant is uncertain due to the absence of conclusive functional and genetic evidence.